The following is an entry in ClinVar:

NM_001033855.3(DCLRE1C):c.1749dup (p.Glu584fs)

Gene: DCLRE1C (DNA cross-link repair 1C; minus strand). Cytogenetic location: 10p13.
Variant type: Duplication.
Coding change: c.1749dup on transcript NM_001033855.3 (MANE Select); coding-DNA position 1749, one base duplicated (A; older notation c.1749dupA).
Protein change: p.Glu584fs; shifts the reading frame from glutamic acid 584.
Molecular consequence: frameshift variant. On other transcripts: non-coding transcript variant (4).
Genome position (GRCh38, 1-based): chr10:14,908,738, T duplicated on the plus strand (A on the coding strand, the reverse complement: DCLRE1C is on the minus strand); the first of 3 consecutive T bases (chr10:14,908,738-14,908,740); duplicating any one gives the same sequence. VCF-style (leftmost placement, unchanged base first): chr10-14908737-C-CT. GRCh37 (hg19) VCF-style: chr10-14950736-C-CT.
Other names: c.1749dup (NM_001033855.2); c.1389dup, p.Glu464fs (NM_001033857.3, NM_001033858.3, NM_001289077.2 and 2 more transcripts); c.1404dup, p.Glu469fs (NM_001289076.2, NM_001289078.2, NM_001350966.2 and 1 more transcripts); c.1749dup, p.Glu584fs (NM_001350965.2); short protein forms E464fs, E469fs, E584fs.
Identifiers: ClinVar variation 2674756 (VCV002674756.2), dbSNP rs765144892, ClinGen allele CA5416414.

ClinVar aggregate classification (germline): Likely pathogenic. Review status: criteria provided, multiple submitters, no conflicts (2 of 4 stars). 2 submissions from 2 submitters: Likely pathogenic (2). Last evaluated 2024-07-16.

Conditions:
Athabaskan severe combined immunodeficiency (SCIDA). Also called: Severe combined immunodeficiency, athabascan-type. Identifiers: MedGen C1865370.
Histiocytic medullary reticulosis. Also called: SEVERE COMBINED IMMUNODEFICIENCY WITH HYPEREOSINOPHILIA; Omenn syndrome. Identifiers: Orphanet 39041, MedGen C2700553, MONDO:0011338, OMIM 603554.

Submissions (2):

Natera, Inc.
Classification: Likely pathogenic for Athabascan severe combined immunodeficiency. Last evaluated: 2024-07-16. Review status: criteria provided, single submitter. Criteria: Natera Variant Classification Schema (03/2026). Collection method: clinical testing. Allele origin: germline.
Comment: The c.1749dup variant in DCLRE1C is a frameshift variant predicted to shift the reading frame beginning at codon 584 and leads to a stop codon 21 codons downstream. This variant is expected to result in nonsense mediated decay, truncation, or a dysfunctional protein product. This variant is rare in the general population with a frequency below the threshold expected for the associated phenotype(s). Given the available evidence, this variant is classified as Likely Pathogenic.

Baylor Genetics
Classification: Likely pathogenic for Histiocytic medullary reticulosis. Last evaluated: 2023-03-18. Review status: criteria provided, single submitter. Criteria: ACMG Guidelines, 2015. Collection method: clinical testing. Allele origin: unknown.